The following is an entry in ClinVar:

ClinVar aggregate classification (germline): Uncertain significance (1 of 4 stars; one submission).

Allele frequency attached by ClinVar (database versions not stated): TOPMed 0.00002; gnomAD exomes 0.00003; gnomAD 0.00004.

Submission:

Genetic Services Laboratory, University of Chicago
Classification: Uncertain significance. Last evaluated: 2021-06-28. Review status: criteria provided, single submitter. Criteria: ACMG Guidelines, 2015. Collection method: clinical testing. Allele origin: germline. Affected: no.
Comment: DNA sequence analysis of the INS gene demonstrated a sequence change in the 5√¢‚Ç¨‚Ñ¢ untranslated region (UTR), c.-46A>G. This sequence change is absent from known population databases (gnomAD). While this particular variant has not been previously reported in individuals with neonatal diabetes, a nearby promoter variant (c.-39A>C) has been reported in the homozygous state in one individual with neonatal diabetes (PMID:20133622). The functional significance of this sequence change is not known at present and its contribution to this individual√¢‚Ç¨‚Ñ¢s disease phenotype cannot definitively be determined.

NM_000207.3(INS):c.-46A>G

Genes: INS (insulin; minus strand), INS-IGF2 (INS-IGF2 readthrough; minus strand). Cytogenetic location: 11p15.5.
Variant type: single nucleotide variant.
Coding change: c.-46A>G on transcript NM_000207.3 (MANE Select); 46 bases upstream of the start codon, A replaced by G.
Molecular consequence: 5 prime UTR variant. On other transcripts: non-coding transcript variant (1).
Genome position (GRCh38, 1-based): chr11:2,161,196, T>C on the plus strand (A>G on the coding strand, the complement: INS is on the minus strand). VCF-style: chr11-2161196-T-C. GRCh37 (hg19) VCF-style: chr11-2182426-T-C.
Other names: c.-72A>G (NM_001185097.2); c.-225A>G (NM_001185098.2); c.-106A>G (NM_001291897.2); c.-46A>G (NM_001042376.3).
Identifiers: ClinVar variation 1336658 (VCV001336658.4), dbSNP rs772426967, ClinGen allele CA216276838.